The following is an entry in ClinVar:

NM_000038.6(APC):c.8371A>T (p.Arg2791Trp)

Gene: APC (APC regulator of Wnt signaling pathway; plus strand). Cytogenetic location: 5q22.2.
Variant type: single nucleotide variant.
Coding change: c.8371A>T on transcript NM_000038.6 (MANE Select); coding-DNA position 8371, A replaced by T.
Protein change: p.Arg2791Trp; replaces arginine 2791 with tryptophan.
Molecular consequence: missense variant.
Genome position (GRCh38, 1-based): chr5:112,843,965, A>T. VCF-style: chr5-112843965-A-T. GRCh37 (hg19) VCF-style: chr5-112179662-A-T.
Other names: c.8371A>T, p.Arg2791Trp (NM_001127510.3, NM_001354895.2, NM_001407450.1); c.8317A>T, p.Arg2773Trp (NM_001127511.3); c.8425A>T, p.Arg2809Trp (NM_001354896.2, NM_001407447.1, NM_001407448.1 and 1 more transcripts); c.8401A>T, p.Arg2801Trp (NM_001354897.2); c.8296A>T, p.Arg2766Trp (NM_001354898.2); c.8287A>T, p.Arg2763Trp (NM_001354899.2); c.8248A>T, p.Arg2750Trp (NM_001354900.2); c.8194A>T, p.Arg2732Trp (NM_001354901.2, NM_001407453.1); and 11 more; short protein forms R2732W, R2809W, R2662W, R2690W, R2773W, R2781W, R2784W, R2801W.
Identifiers: ClinVar variation 1763120 (VCV001763120.2), dbSNP rs2150004165, ClinGen allele CA16039497.

ClinVar aggregate classification (germline): Uncertain significance (1 of 4 stars; one submission).

Conditions:
Hereditary cancer-predisposing syndrome. Also called: Neoplastic Syndromes, Hereditary; Tumor predisposition; Hereditary Cancer Syndrome; Hereditary neoplastic syndrome. Identifiers: Orphanet 140162, MedGen C0027672, MeSH D009386, MONDO:0015356.

Submission:

Ambry Genetics
Classification: Uncertain significance for Hereditary cancer-predisposing syndrome. Last evaluated: 2017-11-07. Review status: criteria provided, single submitter. Criteria: Ambry Variant Classification Scheme 2023. Collection method: clinical testing. Allele origin: germline.
Comment: The p.R2791W variant (also known as c.8371A>T), located in coding exon 15 of the APC gene, results from an A to T substitution at nucleotide position 8371. The arginine at codon 2791 is replaced by tryptophan, an amino acid with dissimilar properties. This amino acid position is highly conserved in available vertebrate species. In addition, in silico predictors for this gene do not accurately predict pathogenicity. Since supporting evidence is limited at this time, the clinical significance of this alteration remains unclear.